The following is an entry in ClinVar:

NM_024649.5(BBS1):c.951+62A>G

Genes: BBS1 (Bardet-Biedl syndrome 1; plus strand), ZDHHC24 (zDHHC palmitoyltransferase 24; minus strand). Cytogenetic location: 11q13.2.
Variant type: single nucleotide variant.
Coding change: c.951+62A>G on transcript NM_024649.5 (MANE Select); 62 bases into the intron after coding-DNA position 951, A replaced by G.
Molecular consequence: intron variant.
Genome position (GRCh38, 1-based): chr11:66,523,638, A>G. VCF-style: chr11-66523638-A-G. GRCh37 (hg19) VCF-style: chr11-66291109-A-G.
Other names: c.*22-2172T>C (NM_001348571.2).
Identifiers: ClinVar variation 4983224 (VCV004983224.1).

ClinVar aggregate classification (germline): Likely benign (1 of 4 stars; one submission).

Conditions:
BBS1-related disorder. Also called: BBS1-related condition.

gnomAD v4.1: 4 of 1,612,480 alleles (0.00025%); highest among the groups gnomAD compares: Admixed American, 0.0067%; no homozygotes.

Submission:

PreventionGenetics, part of Exact Sciences
Classification: Likely benign for BBS1-related condition. Last evaluated: 2026-09-15. Review status: criteria provided, single submitter. Criteria: ACMG Guidelines, 2015. Collection method: clinical testing. Allele origin: germline.
Comment: This variant is classified as likely benign based on ACMG/AMP sequence variant interpretation guidelines (Richards et al. 2015 PMID: 25741868, with internal and published modifications).